The following is an entry in ClinVar:

ClinVar aggregate classification (germline): Likely benign (0 of 4 stars; one submission).

Conditions:
CNNM4-related disorder. Also called: CNNM4-related condition.

Allele frequency attached by ClinVar (database versions not stated): gnomAD exomes below 0.00001; gnomAD 0.00002; TOPMed 0.00002.
gnomAD v4.1: 4 of 1,613,948 alleles (0.00025%); highest among the groups gnomAD compares: East Asian, 0.0067%; no homozygotes.

Submission:

PreventionGenetics, part of Exact Sciences
Classification: Likely benign for CNNM4-related condition. Last evaluated: 2021-06-22. Review status: no assertion criteria provided. Collection method: clinical testing. Allele origin: germline.
Comment: This variant is classified as likely benign based on ACMG/AMP sequence variant interpretation guidelines (Richards et al. 2015 PMID: 25741868, with internal and published modifications).

NM_020184.4(CNNM4):c.*7G>A

Gene: CNNM4 (cyclin and CBS domain divalent metal cation transport mediator 4; plus strand). Cytogenetic location: 2q11.2.
Variant type: single nucleotide variant.
Coding change: c.*7G>A on transcript NM_020184.4 (MANE Select); 7 bases downstream of the stop codon, G replaced by A.
Molecular consequence: 3 prime UTR variant.
Genome position (GRCh38, 1-based): chr2:96,809,524, G>A. VCF-style: chr2-96809524-G-A. GRCh37 (hg19) VCF-style: chr2-97475261-G-A.
Identifiers: ClinVar variation 3061478 (VCV003061478.2), dbSNP rs1460796630, ClinGen allele CA534636706.
Genomic context (GRCh38, chr2:96,809,524, plus strand): 5'-CTCAACGAGCGTAACTCCTTGCTGCACAAAGCCTCCCACGAGAATGCCATCTGACAGGAG[G>A]GCCCGGGGCCCCCTGCCCACCCTGCGGGGGCCTCCCCAGTGGGCCCACATGAAGAGAGGG-3'